The following is an entry in ClinVar:

NM_000046.5(ARSB):c.1213+6T>C

Gene: ARSB (arylsulfatase B; minus strand). Cytogenetic location: 5q14.1.
Variant type: single nucleotide variant.
Coding change: c.1213+6T>C on transcript NM_000046.5 (MANE Select); 6 bases into the intron after coding-DNA position 1213, T replaced by C.
Molecular consequence: intron variant.
Genome position (GRCh38, 1-based): chr5:78,839,350, A>G on the plus strand (T>C on the coding strand, the complement: ARSB is on the minus strand). VCF-style: chr5-78839350-A-G. GRCh37 (hg19) VCF-style: chr5-78135173-A-G.
Other names: c.1213+6T>C (NM_198709.3, NM_000046.3).
Identifiers: ClinVar variation 559692 (VCV000559692.12), dbSNP rs1554074118, ClinGen allele CA658822427.

ClinVar aggregate classification (germline): Pathogenic/Likely pathogenic. Review status: criteria provided, multiple submitters, no conflicts (2 of 4 stars). 3 submissions from 3 submitters: Pathogenic (2); Likely pathogenic (1). Last evaluated 2023-09-08.

Conditions:
Mucopolysaccharidosis type 6 (MPS6). Also called: N-ACETYLGALACTOSAMINE-4-SULFATASE DEFICIENCY; MPS VI; MPS 6; Maroteaux Lamy syndrome; ARSB DEFICIENCY; ARYLSULFATASE B DEFICIENCY. Identifiers: Orphanet 583, MedGen C0026709, MONDO:0009661, OMIM 253200.

Allele frequency attached by ClinVar (database versions not stated): gnomAD exomes below 0.00001.
gnomAD v4.1: 1 of 1,612,542 alleles (0.000062%); highest among the groups gnomAD compares: Non-Finnish European, 0.000085%; no homozygotes.

Submissions (3):

Labcorp Genetics (formerly Invitae), Labcorp
Classification: Pathogenic for Mucopolysaccharidosis type 6. Last evaluated: 2023-09-08. Review status: criteria provided, single submitter. Criteria: Invitae Variant Classification Sherloc (09022015). Collection method: clinical testing. Allele origin: germline.
Comment: For these reasons, this variant has been classified as Pathogenic. Variants that disrupt the consensus splice site are a relatively common cause of aberrant splicing (PMID: 17576681, 9536098). Algorithms developed to predict the effect of sequence changes on RNA splicing suggest that this variant may disrupt the consensus splice site. ClinVar contains an entry for this variant (Variation ID: 559692). This variant has been observed in individual(s) with mucopolysaccharidosis type VI (PMID: 30809705; Invitae). In at least one individual the data is consistent with being in trans (on the opposite chromosome) from a pathogenic variant. It has also been observed to segregate with disease in related individuals. This variant is not present in population databases (gnomAD no frequency). This sequence change falls in intron 6 of the ARSB gene. It does not directly change the encoded amino acid sequence of the ARSB protein. It affects a nucleotide within the consensus splice site.

Women's Health and Genetics/Laboratory Corporation of America, LabCorp
Classification: Likely pathogenic for Mucopolysaccharidosis type 6. Last evaluated: 2023-07-07. Review status: criteria provided, single submitter. Criteria: LabCorp Variant Classification Summary - May 2015. Collection method: clinical testing. Allele origin: germline.
Comment: Variant summary: ARSB c.1213+6T>C alters a conserved nucleotide located close to a canonical splice site and therefore could affect mRNA splicing, leading to a significantly altered protein sequence. Several computational tools predict a significant impact on normal splicing: Two predict the variant abolishes the 5' splicing donor site. Two predict the variant weakens a 5' donor site. However, these predictions have yet to be confirmed by functional studies. The variant was absent in 251358 control chromosomes. c.1213+6T>C has been reported in the literature in at least one compound heterozygous and one homozygous individual affected with Mucopolysaccharidosis Type VI (Maroteaux-Lamy Syndrome) (examples: DiNatale_2008, Ferla_2015, Zanetti_2019). These data indicate that the variant may be associated with disease. At least one publication reports experimental evidence evaluating an impact on protein function. The most pronounced variant effect results in <10% of normal activity in a homozygous individual (Zanetti_2019).The following publications have been ascertained in the context of this evaluation (PMID: 22971959, 17672828, 25654180, 30809705). Two submitters have cited clinical-significance assessments for this variant to ClinVar after 2014. All submitters classified the variant as pathogenic. Based on the evidence outlined above, the variant was classified as likely pathogenic.

Laboratory of Diagnosis and Therapy of Lysosomal Disorders, University of Padova
Classification: Pathogenic for Mucopolysaccharidosis type 6. Last evaluated: 2018-01-01. Review status: criteria provided, single submitter. Criteria: ACMG Guidelines, 2015. Collection method: curation. Allele origin: germline. Affected: yes.
Comment: Splicing variant in NON-canonical site (PVS1); in vitro functional studies supportive of a damaging effect on the gene product (low to no ARSB activity in homozygotes; PS3); Absent from GnomAD (PM2);

Literature cited by the submitters: PubMed 17576681 (cited by Labcorp Genetics (formerly Invitae), Labcorp); PubMed 9536098 (cited by Labcorp Genetics (formerly Invitae), Labcorp); PubMed 30809705 (cited by Labcorp Genetics (formerly Invitae), Labcorp and Women's Health and Genetics/Laboratory Corporation of America, LabCorp); PubMed 22971959 (cited by Women's Health and Genetics/Laboratory Corporation of America, LabCorp); PubMed 25654180 (cited by Women's Health and Genetics/Laboratory Corporation of America, LabCorp and Laboratory of Diagnosis and Therapy of Lysosomal Disorders, University of Padova); PubMed 17672828 (cited by Women's Health and Genetics/Laboratory Corporation of America, LabCorp and Laboratory of Diagnosis and Therapy of Lysosomal Disorders, University of Padova); PubMed 30118150 (cited by Laboratory of Diagnosis and Therapy of Lysosomal Disorders, University of Padova).